The following is an entry in ClinVar:

ClinVar aggregate classification (germline): Pathogenic. Review status: reviewed by expert panel (3 of 4 stars). 4 submissions from 4 submitters: Pathogenic (1). 3 of the submissions do not count toward it. Last evaluated 2016-09-08.

Conditions:
Hereditary breast ovarian cancer syndrome. Also called: Hereditary breast and ovarian cancer; Breast and ovarian cancer; Hereditary breast and/or ovarian cancer syndrome; BRCA1- and BRCA2-Associated Hereditary Breast and Ovarian Cancer; Hereditary breast and ovarian cancer syndrome; Hereditary breast and ovarian cancer syndrome (HBOC). Identifiers: Orphanet 145, MedGen C0677776, MeSH D061325, MONDO:0003582. Disease mechanism: loss of function.
Breast-ovarian cancer, familial, susceptibility to, 2 (BROVCA2). Also called: BRCA2 Hereditary Breast and Ovarian Cancer. Identifiers: Orphanet 145, MedGen C2675520, MONDO:0012933, OMIM 612555. Disease mechanism: loss of function.

Submissions (4):

Evidence-based Network for the Interpretation of Germline Mutant Alleles (ENIGMA)
Classification: Pathogenic for Breast-ovarian cancer, familial, susceptibility to, 2. Last evaluated: 2016-09-08. Review status: reviewed by expert panel. Criteria: ENIGMA BRCA1/2 Classification Criteria (2015). Collection method: curation. Allele origin: germline.
Comment: Variant allele predicted to encode a truncated non-functional protein.

Consortium of Investigators of Modifiers of BRCA1/2 (CIMBA), c/o University of Cambridge
Classification: Pathogenic for Breast-ovarian cancer, familial, susceptibility to, 2. Last evaluated: 2015-10-02. Review status: criteria provided, single submitter. Criteria: CIMBA Mutation Classification guidelines May 2016. Collection method: clinical testing. Allele origin: germline. Not counted in ClinVar's aggregate classification.

Research Molecular Genetics Laboratory, Women's College Hospital, University of Toronto
Classification: Pathogenic for Hereditary breast ovarian cancer syndrome. Last evaluated: 2014-01-31. Review status: no assertion criteria provided. Collection method: research. Allele origin: germline. Affected: yes. Study: The Canadian Open Genetics Repository (COGR). Not counted in ClinVar's aggregate classification.

Sharing Clinical Reports Project (SCRP)
Classification: Pathogenic for Breast-ovarian cancer, familial 2. Last evaluated: 2013-02-05. Review status: no assertion criteria provided. Collection method: clinical testing. Allele origin: germline. Not counted in ClinVar's aggregate classification.

NM_000059.4(BRCA2):c.391del (p.Ser131fs)

Gene: BRCA2 (BRCA2 DNA repair associated; plus strand). Cytogenetic location: 13q13.1.
Variant type: Deletion.
Coding change: c.391del on transcript NM_000059.4 (MANE Select); coding-DNA position 391, one base deleted (T; older notation c.391delT).
Protein change: p.Ser131fs; shifts the reading frame from serine 131.
Molecular consequence: frameshift variant.
Genome position (GRCh38, 1-based): chr13:32,325,150, T deleted; the last of 3 consecutive T bases (chr13:32,325,148-32,325,150); deleting any one gives the same sequence. VCF-style (leftmost placement, unchanged base first): chr13-32325147-GT-G. GRCh37 (hg19) VCF-style: chr13-32899284-GT-G.
Other names: 617delT; c.391delT (NM_000059.3).
Identifiers: ClinVar variation 254474 (VCV000254474.5), dbSNP rs397507318, ClinGen allele CA019091.